The following is an entry in ClinVar:

ClinVar aggregate classification (germline): Likely pathogenic. Review status: criteria provided, multiple submitters, no conflicts (2 of 4 stars). 4 submissions from 4 submitters: Likely pathogenic (4). Last evaluated 2025-10-15.

Conditions:
Dilated cardiomyopathy 1G (CMD1G). Identifiers: Orphanet 154, MedGen C1858763, MONDO:0011400, OMIM 604145.
Autosomal recessive limb-girdle muscular dystrophy type 2J (LGMDR10). Also called: MUSCULAR DYSTROPHY, LIMB-GIRDLE, AUTOSOMAL RECESSIVE 10; Limb-girdle muscular dystrophy, type 2J. Identifiers: Orphanet 140922, MedGen C1837342, MONDO:0012127, OMIM 608807.
Hypertrophic cardiomyopathy 9. Also called: Familial hypertrophic cardiomyopathy 9. Identifiers: MedGen C1861065, MONDO:0013412, OMIM 613765.
Cardiovascular phenotype. Identifiers: MedGen CN230736.

Submissions (4):

Human Genetics Bochum, Ruhr University Bochum
Classification: Likely pathogenic for Dilated cardiomyopathy 1G; Hypertrophic cardiomyopathy 9. Last evaluated: 2025-10-15. Review status: criteria provided, single submitter. Criteria: ACMG Guidelines, 2015. Collection method: clinical testing. Allele origin: germline. Affected: yes.
Comment: ACMG criteria used to clasify this variant: PVS1, PM2_SUP

Labcorp Genetics (formerly Invitae), Labcorp
Classification: Likely pathogenic for Dilated cardiomyopathy 1G; Autosomal recessive limb-girdle muscular dystrophy type 2J. Last evaluated: 2024-02-26. Review status: criteria provided, single submitter. Criteria: Invitae Variant Classification Sherloc (09022015). Collection method: clinical testing. Allele origin: germline.
Comment: This sequence change creates a premature translational stop signal (p.Arg34079Serfs*9) in the TTN gene. While this is not anticipated to result in nonsense mediated decay, it is expected to create a truncated TTN protein. This variant is present in population databases (rs754731686, gnomAD 0.0009%). This premature translational stop signal has been observed in individual(s) with dilated cardiomyopathy (PMID: 35653365). ClinVar contains an entry for this variant (Variation ID: 944585). This variant is located in the M band of TTN (PMID: 25589632). Truncating variants in this region have been previously reported in individuals affected with autosomal recessive myopathy and muscular dystrophy (PMID: 18948003, 23975875, 24395473). Truncating variants in this region have also been identified in individuals affected with autosomal dominant dilated cardiomyopathy and/or cardio-related conditions (PMID: 27869827, 32964742, Invitae internal data). In summary, the currently available evidence indicates that the variant is pathogenic, but additional data are needed to prove that conclusively. Therefore, this variant has been classified as Likely Pathogenic.

Clinical Genetics Laboratory, Skane University Hospital Lund
Classification: Likely pathogenic. Last evaluated: 2022-05-27. Review status: criteria provided, single submitter. Criteria: ACMG Guidelines, 2015. Collection method: clinical testing. Allele origin: germline. Affected: yes.

Ambry Genetics
Classification: Likely pathogenic for Cardiovascular phenotype. Last evaluated: 2020-03-06. Review status: criteria provided, single submitter. Criteria: Ambry Variant Classification Scheme 2023. Collection method: clinical testing. Allele origin: germline.
Comment: The c.75039_75042delAAGA variant, located in coding exon 185 of the TTN gene, results from a deletion of 4 nucleotides at nucleotide positions 75039 to 75042, causing a translational frameshift with a predicted alternate stop codon (p.R25014Sfs*9). Exon 185 is located in the M-band region of the N2-B isoform of the titin protein and is constitutively expressed in TTN transcripts (percent spliced in or PSI 100%). This alteration is expected to result in loss of function by premature protein truncation or nonsense-mediated mRNA decay. While truncating variants in TTN are present in 1-3% of the general population, truncating variants in the M-band have been reported in association with autosomal recessive titinopathies, primarily presenting with skeletal myopathy phenotypes (Ceyhan-Birsoy O et al. Neurology. 2013 Oct 1;81(14):1205-14; De Cid R et al. Neurology. 2015;85(24):2126-35). In addition, regardless of their position, TTN truncating variants encoded in constitutive exons (PSI >90%) have been found to be significantly associated with dilated cardiomyopathy (DCM), though truncating variants in the A-band are the most common cause of DCM (Herman DS et al. N. Engl. J. Med., 2012 Feb;366:619-28; Roberts AM et al. Sci Transl Med, 2015 Jan;7:270ra6; Schafer S et al. Nat. Genet., 2017 01;49:46-53). Based on the majority of available evidence to date, this variant is likely to be pathogenic in association with autosomal recessive titinopathy; however, the clinical significance of this alteration with respect to cardiomyopathy remains unclear.

Literature cited by the submitters: PubMed 35653365 (cited by Labcorp Genetics (formerly Invitae), Labcorp); PubMed 25589632 (cited by Labcorp Genetics (formerly Invitae), Labcorp); PubMed 18948003 (cited by Labcorp Genetics (formerly Invitae), Labcorp); PubMed 23975875 (cited by Labcorp Genetics (formerly Invitae), Labcorp); PubMed 24395473 (cited by Labcorp Genetics (formerly Invitae), Labcorp); PubMed 27869827 (cited by Labcorp Genetics (formerly Invitae), Labcorp); PubMed 32964742 (cited by Labcorp Genetics (formerly Invitae), Labcorp).

NM_001267550.2(TTN):c.102234_102237del (p.Arg34079fs)

Genes: TTN (titin; minus strand), TTN-AS1 (TTN antisense RNA 1; plus strand). Cytogenetic location: 2q31.2.
Variant type: Deletion.
Coding change: c.102234_102237del on transcript NM_001267550.2 (MANE Select); coding-DNA positions 102234 to 102237, 4 bases deleted (AAGA; older notation c.102234_102237delAAGA).
Protein change: p.Arg34079fs; shifts the reading frame from arginine 34079.
Molecular consequence: frameshift variant.
Genome position (GRCh38, 1-based): chr2:178,534,378-178,534,381, TCTT deleted on the plus strand (AAGA on the coding strand, the reverse complement: TTN is on the minus strand); deleting any 4 consecutive bases within chr2:178,534,378-178,534,384 gives the same sequence; the c. name uses the placement nearest the transcript's 3' end. VCF-style (leftmost placement, unchanged base first): chr2-178534377-CTCTT-C. GRCh37 (hg19) VCF-style: chr2-179399104-CTCTT-C.
Other names: c.97311_97314del, p.Arg32438fs (NM_001256850.1); c.75039_75042del, p.Arg25014fs (NM_003319.4); c.94530_94533del, p.Arg31511fs (NM_133378.4); c.75414_75417del, p.Arg25139fs (NM_133432.3); c.75615_75618del, p.Arg25206fs (NM_133437.4); c.75039_75042delAAGA (NM_003319.4); short protein forms R32438fs, R25139fs, R25206fs, R25014fs, R31511fs, R34079fs.
Identifiers: ClinVar variation 944585 (VCV000944585.14), dbSNP rs754731686, ClinGen allele CA1985786.